The following is an entry in ClinVar:

NM_000044.6(AR):c.2740C>A (p.Pro914Thr)

Gene: AR (androgen receptor; plus strand). Cytogenetic location: Xq12.
Variant type: single nucleotide variant.
Coding change: c.2740C>A on transcript NM_000044.6 (MANE Select); coding-DNA position 2740, C replaced by A.
Protein change: p.Pro914Thr; replaces proline 914 with threonine.
Molecular consequence: missense variant.
Genome position (GRCh38, 1-based): chrX:67,723,818, C>A. VCF-style: chrX-67723818-C-A. GRCh37 (hg19) VCF-style: chrX-66943660-C-A.
Other names: c.1144C>A, p.Pro382Thr (NM_001011645.3); short protein forms P914T, P382T.
Identifiers: ClinVar variation 421614 (VCV000421614.2), dbSNP rs1064795250, ClinGen allele CA16621468.

ClinVar aggregate classification (germline): Likely pathogenic (1 of 4 stars; one submission).

Submission:

GeneDx
Classification: Likely pathogenic. Last evaluated: 2016-07-18. Review status: criteria provided, single submitter. Criteria: GeneDx Variant Classification (06012015). Collection method: clinical testing. Allele origin: germline. Affected: yes.
Comment: The P914T variant in the AR gene has not been reported previously as a pathogenic variant, nor as a benign variant, to our knowledge. The P914T variant was not observed in approximately 6500 individuals of European and African American ancestry in the NHLBI Exome Sequencing Project, indicating it is not a common benign variant in these populations. The P914T variant is a non-conservative amino acid substitution, which is likely to impact secondary protein structure as these residues differ in polarity, charge, size and/or other properties. This substitution occurs at a position that is conserved across species and in silico analysis predicts this variant is probably damaging to the protein structure/function. Missense variants in nearby residues (G910R, V912L, I915T, F917L, H918R) and different substitutions at the same residue (P914S, P914R) have been reported in the Human Gene Mutation Database in association with androgen insensitivity syndrome (Stenson et al., 2014), supporting the functional importance of this region of the protein. Therefore, we interpret P914T as a likely pathogenic variant,